The following is an entry in ClinVar:

NM_001142864.4(PIEZO1):c.6835C>T (p.Arg2279Cys)

Gene: PIEZO1 (piezo type mechanosensitive ion channel component 1 (Er blood group); minus strand). Cytogenetic location: 16q24.3.
Variant type: single nucleotide variant.
Coding change: c.6835C>T on transcript NM_001142864.4 (MANE Select); coding-DNA position 6835, C replaced by T.
Protein change: p.Arg2279Cys; replaces arginine 2279 with cysteine.
Molecular consequence: missense variant.
Genome position (GRCh38, 1-based): chr16:88,716,650, G>A on the plus strand (C>T on the coding strand, the complement: PIEZO1 is on the minus strand). VCF-style: chr16-88716650-G-A. GRCh37 (hg19) VCF-style: chr16-88783058-G-A.
Other names: p.Arg2279Cys; c.5377C>T, p.Arg1793Cys (NM_014745.1); short protein forms R1793C, R2279C.
Identifiers: ClinVar variation 2689696 (VCV002689696.9), dbSNP rs544281438, ClinGen allele CA286406638.

ClinVar aggregate classification (germline): Conflicting classifications of pathogenicity. Review status: criteria provided, conflicting classifications (1 of 4 stars). 4 submissions from 4 submitters: Uncertain significance (3); Benign (1). Last evaluated 2025-12-16.

Allele frequency attached by ClinVar (database versions not stated): gnomAD exomes 0.00004; gnomAD 0.00006; 1000 Genomes Project 0.00020; 1000 Genomes Project 30x 0.00016; TOPMed 0.00011.
gnomAD v4.1: 66 of 1,549,446 alleles (0.0043%); highest among the groups gnomAD compares: Admixed American, 0.018%; no homozygotes.

Submissions (4):

Labcorp Genetics (formerly Invitae), Labcorp
Classification: Benign. Last evaluated: 2025-12-16. Review status: criteria provided, single submitter. Criteria: Invitae Variant Classification Sherloc (09022015). Collection method: clinical testing. Allele origin: germline.

Mayo Clinic Laboratories, Mayo Clinic
Classification: Uncertain significance. Last evaluated: 2025-07-17. Review status: criteria provided, single submitter. Criteria: ACMG Guidelines, 2015. Collection method: clinical testing. Allele origin: germline. Observed: 3 variant alleles.
Comment: PM2_moderate

Center for Genomic Medicine, Rigshospitalet, Copenhagen University Hospital
Classification: Uncertain significance. Last evaluated: 2025-03-04. Review status: criteria provided, single submitter. Criteria: ACMG Guidelines, 2015. Collection method: clinical testing. Allele origin: germline.

Revvity Omics, Revvity
Classification: Uncertain significance. Last evaluated: 2024-07-12. Review status: criteria provided, single submitter. Criteria: ACMG Guidelines, 2015. Collection method: clinical testing. Allele origin: germline.

Literature cited by the submitters: PubMed 31298594 (cited by Mayo Clinic Laboratories, Mayo Clinic and Center for Genomic Medicine, Rigshospitalet, Copenhagen University Hospital); PubMed 32636758 (cited by Mayo Clinic Laboratories, Mayo Clinic); PubMed 33610426 (cited by Mayo Clinic Laboratories, Mayo Clinic).